The following is an entry in ClinVar:

ClinVar aggregate classification (germline): Pathogenic (1 of 4 stars; one submission).

Conditions:
Fabry disease. Also called: Fabry's disease; ALPHA-GALACTOSIDASE A DEFICIENCY; ANDERSON-FABRY DISEASE; CERAMIDE TRIHEXOSIDASE DEFICIENCY; GLA DEFICIENCY; HEREDITARY DYSTOPIC LIPIDOSIS. Identifiers: Orphanet 324, MedGen C0002986, MONDO:0010526, OMIM 301500, HP:0001071. Disease mechanism: Fabry disease is due to inactivating mutations in the X-linked GLA gene resulting in deficiency of the enzyme Alpha Galactosidase-A., loss of function.

Submission:

Genomenon, Inc
Classification: Pathogenic for Fabry disease. Last evaluated: 2026-09-08. Review status: criteria provided, single submitter. Criteria: Genomenon Sequence Variant Interpretation Standards - Updated. Collection method: curation. Allele origin: germline. Affected: yes.
Comment: GLA p.Ser241GlufsTer9 (c.719dup) is a frameshift variant that is predicted to introduce a premature termination codon and result in a truncated or absent protein product. This variant has been observed in at least one proband with clinical features consistent with Fabry disease (PMID:38940325;39609713). Functional or patient cell studies have been reported (PMID:39609713). It is absent or not present at a significant frequency in gnomAD. In conclusion, we classify GLA p.Ser241GlufsTer9 (c.719dup) as a pathogenic variant.

Literature cited by the submitters: PubMed 38940325; PubMed 39609713.

NM_000169.3(GLA):c.719dup (p.Ser241fs)

Genes: GLA (galactosidase alpha; minus strand), RPL36A-HNRNPH2 (RPL36A-HNRNPH2 readthrough; plus strand). Cytogenetic location: Xq22.1.
Variant type: Duplication.
Coding change: c.719dup on transcript NM_000169.3 (MANE Select); coding-DNA position 719, one base duplicated (A; older notation c.719dupA).
Protein change: p.Ser241fs; shifts the reading frame from serine 241.
Molecular consequence: frameshift variant. On other transcripts: non-coding transcript variant (3), intron variant (2).
Genome position (GRCh38, 1-based): chrX:101,398,867, T duplicated on the plus strand (A on the coding strand, the reverse complement: GLA is on the minus strand); the first of 3 consecutive T bases (chrX:101,398,867-101,398,869); duplicating any one gives the same sequence. VCF-style (leftmost placement, unchanged base first): chrX-101398866-C-CT. GRCh37 (hg19) VCF-style: chrX-100653854-C-CT.
Other names: c.842dup, p.Ser282fs (NM_001406747.1); c.719dup, p.Ser241fs (NM_001406748.1); c.300+3412dup (NM_001199973.2); c.177+7047dup (NM_001199974.2); short protein forms S241fs, S282fs.
Identifiers: ClinVar variation 4974916 (VCV004974916.1).